The following is an entry in ClinVar:

NM_000642.3(AGL):c.3928G>T (p.Glu1310Ter)

Gene: AGL (amylo-alpha-1,6-glucosidase and 4-alpha-glucanotransferase; plus strand). Cytogenetic location: 1p21.2.
Variant type: single nucleotide variant.
Coding change: c.3928G>T on transcript NM_000642.3 (MANE Select); coding-DNA position 3928, G replaced by T.
Protein change: p.Glu1310Ter; replaces glutamic acid 1310 with a stop codon.
Molecular consequence: nonsense.
Genome position (GRCh38, 1-based): chr1:99,912,496, G>T. VCF-style: chr1-99912496-G-T. GRCh37 (hg19) VCF-style: chr1-100378052-G-T.
Other names: c.3928G>T, p.Glu1310Ter (NM_000028.3, NM_000643.3, NM_000644.3 and 1 more transcripts); c.3880G>T, p.Glu1294Ter (NM_000646.3); c.3907G>T, p.Glu1303Ter (NM_001425326.1); c.3727G>T, p.Glu1243Ter (NM_001425327.1); c.3724G>T, p.Glu1242Ter (NM_001425328.1); c.3589G>T, p.Glu1197Ter (NM_001425329.1); c.3550G>T, p.Glu1184Ter (NM_001425332.1); short protein forms E1294*, E1310*, E1184*, E1197*, E1242*, E1243*, E1303*.
Identifiers: ClinVar variation 1070447 (VCV001070447.7), dbSNP rs2100854670, ClinGen allele CA341339044.

ClinVar aggregate classification (germline): Pathogenic (1 of 4 stars; one submission).

Conditions:
Glycogen storage disease type III (GSD3). Also called: Cori disease; FORBES DISEASE. Identifiers: Orphanet 366, MedGen C0017922, MONDO:0009291, OMIM 232400.

Submission:

Labcorp Genetics (formerly Invitae), Labcorp
Classification: Pathogenic for Glycogen storage disease type III. Last evaluated: 2022-11-22. Review status: criteria provided, single submitter. Criteria: Invitae Variant Classification Sherloc (09022015). Collection method: clinical testing. Allele origin: germline.
Comment: For these reasons, this variant has been classified as Pathogenic. ClinVar contains an entry for this variant (Variation ID: 1070447). This variant has not been reported in the literature in individuals affected with AGL-related conditions. This variant is not present in population databases (gnomAD no frequency). This sequence change creates a premature translational stop signal (p.Glu1310*) in the AGL gene. It is expected to result in an absent or disrupted protein product. Loss-of-function variants in AGL are known to be pathogenic (PMID: 19299494).

Literature cited by the submitters: PubMed 19299494.